The following is an entry in ClinVar:

NM_000275.3(OCA2):c.34C>A (p.Pro12Thr)

Gene: OCA2 (OCA2 melanosomal transmembrane protein; minus strand). Cytogenetic location: 15q13.1.
Variant type: single nucleotide variant.
Coding change: c.34C>A on transcript NM_000275.3 (MANE Select); coding-DNA position 34, C replaced by A.
Protein change: p.Pro12Thr; replaces proline 12 with threonine.
Molecular consequence: missense variant.
Genome position (GRCh38, 1-based): chr15:28,081,841, G>T on the plus strand (C>A on the coding strand, the complement: OCA2 is on the minus strand). VCF-style: chr15-28081841-G-T. GRCh37 (hg19) VCF-style: chr15-28326987-G-T.
Other names: c.34C>A, p.Pro12Thr (NM_001300984.2); short protein forms P12T.
Identifiers: ClinVar variation 2185445 (VCV002185445.1), dbSNP rs759852184, ClinGen allele CA391366876.

ClinVar aggregate classification (germline): Uncertain significance (1 of 4 stars; one submission).

gnomAD v4.1: 3 of 1,611,502 alleles (0.00019%); highest among the groups gnomAD compares: Admixed American, 0.005%; no homozygotes.

Submission:

Labcorp Genetics (formerly Invitae), Labcorp
Classification: Uncertain significance. Last evaluated: 2022-08-07. Review status: criteria provided, single submitter. Criteria: Invitae Variant Classification Sherloc (09022015). Collection method: clinical testing. Allele origin: germline.
Comment: This sequence change replaces proline, which is neutral and non-polar, with threonine, which is neutral and polar, at codon 12 of the OCA2 protein (p.Pro12Thr). This variant is present in population databases (no rsID available, gnomAD 0.009%). This variant has not been reported in the literature in individuals affected with OCA2-related conditions. Advanced modeling of protein sequence and biophysical properties (such as structural, functional, and spatial information, amino acid conservation, physicochemical variation, residue mobility, and thermodynamic stability) performed at Invitae indicates that this missense variant is not expected to disrupt OCA2 protein function. In summary, the available evidence is currently insufficient to determine the role of this variant in disease. Therefore, it has been classified as a Variant of Uncertain Significance.